The following is an entry in ClinVar:

NM_001999.4(FBN2):c.7841-3C>T

Gene: FBN2 (fibrillin 2; minus strand). Cytogenetic location: 5q23.3.
Variant type: single nucleotide variant.
Coding change: c.7841-3C>T on transcript NM_001999.4 (MANE Select); 3 bases into the intron before coding-DNA position 7841, C replaced by T.
Molecular consequence: intron variant.
Genome position (GRCh38, 1-based): chr5:128,272,121, G>A on the plus strand (C>T on the coding strand, the complement: FBN2 is on the minus strand). VCF-style: chr5-128272121-G-A. GRCh37 (hg19) VCF-style: chr5-127607813-G-A.
Identifiers: ClinVar variation 458779 (VCV000458779.17), dbSNP rs1554116417, ClinGen allele CA658657483.

ClinVar aggregate classification (germline): Uncertain significance. Review status: criteria provided, multiple submitters, no conflicts (2 of 4 stars). 3 submissions from 3 submitters: Uncertain significance (3). Last evaluated 2026-08-19.

Conditions:
Familial thoracic aortic aneurysm and aortic dissection (TAAD). Also called: Thoracic aortic aneurysms and dissections. Identifiers: Orphanet 91387, MedGen C4707243, MONDO:0019625.
Congenital contractural arachnodactyly (CCA). Also called: BEALS SYNDROME; Arthrogryposis, distal, type 9; Beals-Hecht syndrome. Identifiers: Orphanet 115, MedGen C0220668, MONDO:0007363, OMIM 121050.

Allele frequency attached by ClinVar (database versions not stated): gnomAD exomes below 0.00001.
gnomAD v4.1: 5 of 1,613,844 alleles (0.00031%); highest among the groups gnomAD compares: Non-Finnish European, 0.00042%; no homozygotes.

Submissions (3):

Ambry Genetics
Classification: Uncertain significance for Familial thoracic aortic aneurysm and aortic dissection. Last evaluated: 2026-08-19. Review status: criteria provided, single submitter. Criteria: Ambry Variant Classification Scheme 2023. Collection method: clinical testing. Allele origin: germline.
Comment: The c.7841-3C>T intronic variant results from a C to T substitution 3 nucleotides upstream from coding exon 62 in the FBN2 gene. This nucleotide position is highly conserved in available vertebrate species. In silico splice site analysis for this alteration is inconclusive. Based on the available evidence, the clinical significance of this variant remains unclear.

Labcorp Genetics (formerly Invitae), Labcorp
Classification: Uncertain significance for Congenital contractural arachnodactyly. Last evaluated: 2025-10-07. Review status: criteria provided, single submitter. Criteria: Invitae Variant Classification Sherloc (09022015). Collection method: clinical testing. Allele origin: germline.
Comment: This sequence change falls in intron 61 of the FBN2 gene. It does not directly change the encoded amino acid sequence of the FBN2 protein. It affects a nucleotide within the consensus splice site. This variant is not present in population databases (gnomAD no frequency). This variant has been observed in individual(s) with aortic root aneurym and/or arterial aneurysms (internal data). ClinVar contains an entry for this variant (Variation ID: 458779). Variants that disrupt the consensus splice site are a relatively common cause of aberrant splicing (PMID: 17576681, 9536098). Algorithms developed to predict the effect of sequence changes on RNA splicing suggest that this variant is not likely to affect RNA splicing. In summary, the available evidence is currently insufficient to determine the role of this variant in disease. Therefore, it has been classified as a Variant of Uncertain Significance.

Blueprint Genetics
Classification: Uncertain significance. Last evaluated: 2024-04-12. Review status: criteria provided, single submitter. Criteria: ACMG Guidelines, 2015. Collection method: clinical testing. Allele origin: germline.

Literature cited by the submitters: PubMed 17576681 (cited by Labcorp Genetics (formerly Invitae), Labcorp); PubMed 9536098 (cited by Labcorp Genetics (formerly Invitae), Labcorp).